The following is an entry in ClinVar:

ClinVar aggregate classification (germline): Uncertain significance (1 of 4 stars; one submission).

Submission:

Labcorp Genetics (formerly Invitae), Labcorp
Classification: Uncertain significance. Last evaluated: 2024-06-11. Review status: criteria provided, single submitter. Criteria: Invitae Variant Classification Sherloc (09022015). Collection method: clinical testing. Allele origin: germline.
Comment: This sequence change replaces arginine, which is basic and polar, with proline, which is neutral and non-polar, at codon 108 of the MATN3 protein (p.Arg108Pro). This variant is not present in population databases (gnomAD no frequency). This variant has not been reported in the literature in individuals affected with MATN3-related conditions. ClinVar contains an entry for this variant (Variation ID: 1019269). Advanced modeling of protein sequence and biophysical properties (such as structural, functional, and spatial information, amino acid conservation, physicochemical variation, residue mobility, and thermodynamic stability) performed at Invitae indicates that this missense variant is not expected to disrupt MATN3 protein function with a negative predictive value of 80%. In summary, the available evidence is currently insufficient to determine the role of this variant in disease. Therefore, it has been classified as a Variant of Uncertain Significance.

NM_002381.5(MATN3):c.323G>C (p.Arg108Pro)

Gene: MATN3 (matrilin 3; minus strand). Cytogenetic location: 2p24.1.
Variant type: single nucleotide variant.
Coding change: c.323G>C on transcript NM_002381.5 (MANE Select); coding-DNA position 323, G replaced by C.
Protein change: p.Arg108Pro; replaces arginine 108 with proline.
Molecular consequence: missense variant.
Genome position (GRCh38, 1-based): chr2:20,006,211, C>G on the plus strand (G>C on the coding strand, the complement: MATN3 is on the minus strand). VCF-style: chr2-20006211-C-G. GRCh37 (hg19) VCF-style: chr2-20205972-C-G.
Other names: short protein forms R108P.
Identifiers: ClinVar variation 1019269 (VCV001019269.9), dbSNP rs761923957, ClinGen allele CA345951330.